The following is an entry in ClinVar:

ClinVar aggregate classification (germline): Uncertain significance (1 of 4 stars; one submission).

Submission:

CeGaT Center for Human Genetics Tuebingen
Classification: Uncertain significance. Last evaluated: 2026-02-01. Review status: criteria provided, single submitter. Criteria: CeGaT Center For Human Genetics Tuebingen Variant Classification Criteria Version 2. Collection method: clinical testing. Allele origin: germline. Affected: yes. Observed: 1 variant allele.
Comment: TMEM151A: PM2

NM_153266.4(TMEM151A):c.1172C>A (p.Pro391His)

Gene: TMEM151A (transmembrane protein 151A; plus strand). Cytogenetic location: 11q13.2.
Variant type: single nucleotide variant.
Coding change: c.1172C>A on transcript NM_153266.4 (MANE Select); coding-DNA position 1172, C replaced by A.
Protein change: p.Pro391His; replaces proline 391 with histidine.
Molecular consequence: missense variant.
Genome position (GRCh38, 1-based): chr11:66,295,418, C>A. VCF-style: chr11-66295418-C-A. GRCh37 (hg19) VCF-style: chr11-66062889-C-A.
Other names: short protein forms P391H.
Identifiers: ClinVar variation 4821463 (VCV004821463.4).
Genomic context (GRCh38, chr11:66,295,418, plus strand): 5'-GCGCCTACCTCAGAGGCTGCCAGCGCTGCCGCCGCTCTGTCAGCAGCAACTCGCTGCCCC[C>A]CGCCCGGCCCAGCGGGCCCCGCCTGCCCTTCAGCCGCAGCCGCCTCTCGCTGGGCGCTGG-3'
Protein context (NP_694998.1, residues 381-401): RRSVSSNSLP[Pro391His]ARPSGPRLPF